The following is an entry in ClinVar:

ClinVar aggregate classification (germline): Pathogenic. Review status: criteria provided, multiple submitters, no conflicts (2 of 4 stars). 2 submissions from 2 submitters: Pathogenic (2). Last evaluated 2025-01-16.

Conditions:
DiGeorge syndrome. Also called: THIRD AND FOURTH PHARYNGEAL POUCH SYNDROME; Catch22. Identifiers: Orphanet 567, MedGen C0012236, MONDO:0008564, OMIM 188400.

Submissions (2):

GeneDx
Classification: Pathogenic. Last evaluated: 2025-01-16. Review status: criteria provided, single submitter. Criteria: GeneDx Variant Classification Process June 2021. Collection method: clinical testing. Allele origin: germline. Affected: yes.
Comment: Frameshift variant predicted to result in protein truncation or nonsense mediated decay in a gene for which loss of function is a known mechanism of disease; Not observed at significant frequency in large population cohorts (gnomAD); Has not been previously published as pathogenic or benign to our knowledge

Labcorp Genetics (formerly Invitae), Labcorp
Classification: Pathogenic for DiGeorge sequence. Last evaluated: 2019-12-11. Review status: criteria provided, single submitter. Criteria: Invitae Variant Classification Sherloc (09022015). Collection method: clinical testing. Allele origin: germline.
Comment: This variant is an out-of-frame deletion of the genomic region encompassing part of exon 3 of the TBX1 gene. This is expected to create a premature translational stop signal and result in an absent or disrupted protein product. This variant has not been reported in the literature in individuals with TBX1-related conditions. Loss-of-function variants in TBX1 are known to be pathogenic (PMID: 11239417, 11242049). For these reasons, this variant has been classified as Pathogenic.

NM_001379200.1(TBX1):c.89_284del (p.Leu30fs)

Gene: TBX1 (T-box transcription factor 1; plus strand). Cytogenetic location: 22q11.21.
Variant type: Deletion.
Coding change: c.89_284del on transcript NM_001379200.1 (MANE Select); coding-DNA positions 89 to 284, 196 bases deleted.
Protein change: p.Leu30fs; shifts the reading frame from leucine 30.
Molecular consequence: frameshift variant.
Genome position (GRCh38, 1-based): chr22:19,760,932-19,761,127, 196 bases deleted. GRCh37 (hg19): chr22:19,748,455-19,748,650.
Other names: c.62_257del, p.Leu21fs (NM_005992.1, NM_080646.2, NM_080647.1); short protein forms L21fs, L30fs.
Identifiers: ClinVar variation 971780 (VCV000971780.3), dbSNP rs1936634853, ClinGen allele CA1139666949.